The following is an entry in ClinVar:

NM_001303256.3(MORC2):c.2594A>G (p.Gln865Arg)

Gene: MORC2 (MORC family CW-type zinc finger 2; minus strand). Cytogenetic location: 22q12.2.
Variant type: single nucleotide variant.
Coding change: c.2594A>G on transcript NM_001303256.3 (MANE Select); coding-DNA position 2594, A replaced by G.
Protein change: p.Gln865Arg; replaces glutamine 865 with arginine.
Molecular consequence: missense variant.
Genome position (GRCh38, 1-based): chr22:30,932,698, T>C on the plus strand (A>G on the coding strand, the complement: MORC2 is on the minus strand). VCF-style: chr22-30932698-T-C. GRCh37 (hg19) VCF-style: chr22-31328685-T-C.
Other names: c.2594A>G, p.Gln865Arg (NM_001303257.2); c.2408A>G, p.Gln803Arg (NM_014941.3); short protein forms Q803R, Q865R.
Identifiers: ClinVar variation 3629645 (VCV003629645.1).

ClinVar aggregate classification (germline): Uncertain significance (1 of 4 stars; one submission).

gnomAD v4.1: 1 of 1,614,174 alleles (0.000062%); highest among the groups gnomAD compares: African/African-American, 0.0013%; no homozygotes.

Submission:

Women's Health and Genetics/Laboratory Corporation of America, LabCorp
Classification: Uncertain significance. Last evaluated: 2024-11-13. Review status: criteria provided, single submitter. Criteria: LabCorp Variant Classification Summary - May 2015. Collection method: clinical testing. Allele origin: germline.
Comment: Variant summary: MORC2 c.2594A>G (p.Gln865Arg) results in a conservative amino acid change in the encoded protein sequence. Four of five in-silico tools predict a benign effect of the variant on protein function. The variant was absent in 251394 control chromosomes. The available data on variant occurrences in the general population are insufficient to allow any conclusion about variant significance. To our knowledge, no occurrence of c.2594A>G in individuals affected with Charcot-Marie-Tooth disease axonal type 2Z and no experimental evidence demonstrating its impact on protein function have been reported. No submitters have cited clinical-significance assessments for this variant to ClinVar. Based on the evidence outlined above, the variant was classified as uncertain significance.